The following is an entry in ClinVar:

NM_000059.4(BRCA2):c.8545_8546del (p.Lys2849fs)

Gene: BRCA2 (BRCA2 DNA repair associated; plus strand). Cytogenetic location: 13q13.1.
Variant type: Deletion.
Coding change: c.8545_8546del on transcript NM_000059.4 (MANE Select); coding-DNA positions 8545 to 8546, 2 bases deleted (AA; older notation c.8545_8546delAA).
Protein change: p.Lys2849fs; shifts the reading frame from lysine 2849.
Molecular consequence: frameshift variant.
Genome position (GRCh38, 1-based): chr13:32,371,013-32,371,014, AA deleted; deleting any 2 consecutive bases within chr13:32,371,011-32,371,014 gives the same sequence; the c. name uses the placement nearest the transcript's 3' end. VCF-style (leftmost placement, unchanged base first): chr13-32371010-GAA-G. GRCh37 (hg19) VCF-style: chr13-32945147-GAA-G.
Other names: c.8545_8546delAA (NM_000059.3); short protein forms K2849fs.
Identifiers: ClinVar variation 2673978 (VCV002673978.3), dbSNP rs397507991, ClinGen allele CA2499222336.

ClinVar aggregate classification (germline): Pathogenic. Review status: criteria provided, multiple submitters, no conflicts (2 of 4 stars). 3 submissions from 3 submitters: Pathogenic (3). Last evaluated 2025-03-26.

Conditions:
Hereditary cancer-predisposing syndrome. Also called: Tumor predisposition; Neoplastic Syndromes, Hereditary; Hereditary Cancer Syndrome; Hereditary neoplastic syndrome. Identifiers: Orphanet 140162, MedGen C0027672, MeSH D009386, MONDO:0015356.
Breast-ovarian cancer, familial, susceptibility to, 2 (BROVCA2). Also called: BRCA2 Hereditary Breast and Ovarian Cancer. Identifiers: Orphanet 145, MedGen C2675520, MONDO:0012933, OMIM 612555. Disease mechanism: loss of function.
Familial cancer of breast. Also called: BREAST CANCER, FAMILIAL; Hereditary breast cancer; hereditary breast carcinoma. Identifiers: Orphanet 227535, MedGen C0346153, MONDO:0016419, OMIM 114480. Disease mechanism: loss of function.

Submissions (3):

Ambry Genetics
Classification: Pathogenic for Hereditary cancer-predisposing syndrome. Last evaluated: 2025-03-26. Review status: criteria provided, single submitter. Criteria: Ambry Variant Classification Scheme 2023. Collection method: clinical testing. Allele origin: germline.
Comment: The c.8545_8546delAA pathogenic mutation, located in coding exon 19 of the BRCA2 gene, results from a deletion of two nucleotides at nucleotide positions 8545 to 8546, causing a translational frameshift with a predicted alternate stop codon (p.K2849Gfs*19). This alteration was identified in a cohort of Pakistani breast and/or ovarian cancer patients (Rashid MU et al. Hered Cancer Clin Pract, 2019 Sep;17:27). This variant is considered to be rare based on population cohorts in the Genome Aggregation Database (gnomAD). This alteration is expected to result in loss of function by premature protein truncation or nonsense-mediated mRNA decay. As such, this alteration is interpreted as a disease-causing mutation.

Myriad Genetics, Inc.
Classification: Pathogenic for Breast-ovarian cancer, familial, susceptibility to, 2. Last evaluated: 2023-10-09. Review status: criteria provided, single submitter. Criteria: Myriad Autosomal Dominant, Autosomal Recessive and X-Linked Classification Criteria (2023). Collection method: clinical testing. Allele origin: unknown.
Comment: This variant is considered pathogenic. This variant creates a frameshift predicted to result in premature protein truncation.

Department of Pathology and Laboratory Medicine, Sinai Health System
Classification: Pathogenic for Familial cancer of breast; Breast-ovarian cancer, familial, susceptibility to, 2. Last evaluated: 2023-05-05. Review status: criteria provided, single submitter. Criteria: ACMG Guidelines, 2015. Collection method: clinical testing. Allele origin: germline. Affected: yes.

Literature cited by the submitters: PubMed 31528241 (cited by Ambry Genetics and Department of Pathology and Laboratory Medicine, Sinai Health System).